The following is an entry in ClinVar:

ClinVar aggregate classification (germline): Benign (1 of 4 stars; one submission).

Allele frequency attached by ClinVar (database versions not stated): TOPMed 0.16752; gnomAD 0.17300 and 0.17530; 1000 Genomes Project 30x 0.17473; 1000 Genomes Project 0.18131.
gnomAD v4.1: 26,794 of 152,124 alleles (18%); highest among the groups gnomAD compares: East Asian, 45%; 3,130 homozygotes.

Submission:

GeneDx
Classification: Benign. Last evaluated: 2018-06-14. Review status: criteria provided, single submitter. Criteria: GeneDx Variant Classification (06012015). Collection method: clinical testing. Allele origin: germline. Affected: yes.
Comment: This variant is considered likely benign or benign based on one or more of the following criteria: it is a conservative change, it occurs at a poorly conserved position in the protein, it is predicted to be benign by multiple in silico algorithms, and/or has population frequency not consistent with disease.

NM_007347.5(AP4E1):c.1851+178G>A

Gene: AP4E1 (adaptor related protein complex 4 subunit epsilon 1; plus strand). Cytogenetic location: 15q21.2.
Variant type: single nucleotide variant.
Coding change: c.1851+178G>A on transcript NM_007347.5 (MANE Select); 178 bases into the intron after coding-DNA position 1851, G replaced by A.
Molecular consequence: intron variant.
Genome position (GRCh38, 1-based): chr15:50,958,972, G>A. VCF-style: chr15-50958972-G-A. GRCh37 (hg19) VCF-style: chr15-51251169-G-A.
Other names: c.1626+178G>A (NM_001252127.2).
Identifiers: ClinVar variation 680052 (VCV000680052.1), dbSNP rs74456643, ClinGen allele CA14131869.